The following is an entry in ClinVar:

NM_015158.5(KANK1):c.3968A>G (p.His1323Arg)

Gene: KANK1 (KN motif and ankyrin repeat domains 1; plus strand). Cytogenetic location: 9p24.3.
Variant type: single nucleotide variant.
Coding change: c.3968A>G on transcript NM_015158.5 (MANE Select); coding-DNA position 3968, A replaced by G.
Protein change: p.His1323Arg; replaces histidine 1323 with arginine.
Molecular consequence: missense variant. On other transcripts: non-coding transcript variant (1).
Genome position (GRCh38, 1-based): chr9:744,561, A>G. VCF-style: chr9-744561-A-G. GRCh37 (hg19) VCF-style: chr9-744561-A-G.
Other names: c.3968A>G, p.His1323Arg (NM_001256876.3, NM_001256877.3, NM_001354334.2 and 1 more transcripts); c.3728A>G, p.His1243Arg (NM_001354331.2); c.3914A>G, p.His1305Arg (NM_001354332.2); c.3494A>G, p.His1165Arg (NM_001354333.2, NM_001354335.2, NM_001354337.2 and 2 more transcripts); c.3200A>G, p.His1067Arg (NM_001354336.2, NM_001438411.1); c.3440A>G, p.His1147Arg (NM_001354338.2, NM_001354340.2, NM_001354344.2); c.3254A>G, p.His1085Arg (NM_001354339.2, NM_001354342.2, NM_001354343.2); short protein forms H1165R, H1323R, H1085R, H1067R, H1147R, H1243R, H1305R.
Identifiers: ClinVar variation 4692801 (VCV004692801.1).

ClinVar aggregate classification (germline): Uncertain significance (1 of 4 stars; one submission).

gnomAD v4.1: 2 of 1,614,046 alleles (0.00012%); highest among the groups gnomAD compares: Admixed American, 0.0033%; no homozygotes.

Submission:

Labcorp Genetics (formerly Invitae), Labcorp
Classification: Uncertain significance. Last evaluated: 2026-01-03. Review status: criteria provided, single submitter. Criteria: Invitae Variant Classification Sherloc (09022015). Collection method: clinical testing. Allele origin: germline.
Comment: This sequence change replaces histidine, which is basic and polar, with arginine, which is basic and polar, at codon 1323 of the KANK1 protein (p.His1323Arg). This variant is present in population databases (no rsID available, gnomAD 0.006%). This variant has not been reported in the literature in individuals affected with KANK1-related conditions. An algorithm developed to predict the effect of missense changes on protein structure and function (PolyPhen-2) suggests that this variant is likely to be disruptive. In summary, the available evidence is currently insufficient to determine the role of this variant in disease. Therefore, it has been classified as a Variant of Uncertain Significance.